The following is an entry in ClinVar:

ClinVar aggregate classification (germline): Conflicting classifications of pathogenicity. Review status: criteria provided, conflicting classifications (1 of 4 stars). 6 submissions from 6 submitters: Uncertain significance (1); Benign (1); Likely benign (2). 2 of the submissions do not count toward it. Last evaluated 2026-01-31.

Conditions:
FKRP-related disorder. Also called: FKRP-related condition.
Walker-Warburg congenital muscular dystrophy. Also called: Muscular dystrophy-dystroglycanopathy, type A; Walker-Warburg syndrome. Identifiers: Orphanet 899, MedGen C0265221, MONDO:0000171.
Cardiovascular phenotype. Identifiers: MedGen CN230736.
Autosomal recessive limb-girdle muscular dystrophy type 2I. Also called: MUSCULAR DYSTROPHY, LIMB-GIRDLE, TYPE 2I; MUSCULAR DYSTROPHY-DYSTROGLYCANOPATHY (LIMB-GIRDLE), TYPE C, 5; MUSCULAR DYSTROPHY-DYSTROGLYCANOPATHY, LIMB-GIRDLE, FRKP-RELATED. Identifiers: Orphanet 34515, MedGen C1846672, MONDO:0011787, OMIM 607155.

Allele frequency attached by ClinVar (database versions not stated): gnomAD exomes 0.00003 and 0.00012; gnomAD 0.00008 and 0.00011; TOPMed 0.00008; ExAC 0.00012; 1000 Genomes Project 0.00040; 1000 Genomes Project 30x 0.00047.
gnomAD v4.1: 64 of 1,611,080 alleles (0.004%); highest among the groups gnomAD compares: East Asian, 0.14%; no homozygotes.

Submissions (6):

Labcorp Genetics (formerly Invitae), Labcorp
Classification: Likely benign for Walker-Warburg congenital muscular dystrophy. Last evaluated: 2026-01-31. Review status: criteria provided, single submitter. Criteria: Invitae Variant Classification Sherloc (09022015). Collection method: clinical testing. Allele origin: germline.

CeGaT Center for Human Genetics Tuebingen
Classification: Likely benign. Last evaluated: 2022-06-01. Review status: criteria provided, single submitter. Criteria: CeGaT Center For Human Genetics Tuebingen Variant Classification Criteria Version 2. Collection method: clinical testing. Allele origin: germline. Affected: yes. Observed: 1 variant allele.
Comment: FKRP: BP4, BP7

Ambry Genetics
Classification: Benign for Cardiovascular phenotype. Last evaluated: 2021-08-04. Review status: criteria provided, single submitter. Criteria: Ambry Variant Classification Scheme 2023. Collection method: clinical testing. Allele origin: germline.

Eurofins Ntd Llc (ga)
Classification: Uncertain significance. Last evaluated: 2016-07-18. Review status: criteria provided, single submitter. Criteria: EGL Classification Definitions 2015. Collection method: clinical testing. Allele origin: germline. Observed: 1 variant allele, 1 heterozygote.

PreventionGenetics, part of Exact Sciences
Classification: Likely benign for FKRP-related condition. Last evaluated: 2022-06-10. Review status: no assertion criteria provided. Collection method: clinical testing. Allele origin: germline. Not counted in ClinVar's aggregate classification.
Comment: This variant is classified as likely benign based on ACMG/AMP sequence variant interpretation guidelines (Richards et al. 2015 PMID: 25741868, with internal and published modifications).

Natera, Inc.
Classification: Likely benign for Limb-girdle muscular dystrophy type 2I. Last evaluated: 2020-11-29. Review status: no assertion criteria provided. Collection method: clinical testing. Allele origin: germline. Not counted in ClinVar's aggregate classification.

NM_024301.5(FKRP):c.54T>A (p.Leu18=)

Gene: FKRP (fukutin related protein; plus strand). Cytogenetic location: 19q13.32.
Variant type: single nucleotide variant.
Coding change: c.54T>A on transcript NM_024301.5 (MANE Select); coding-DNA position 54, T replaced by A.
Protein change: p.Leu18=; no amino-acid change (leucine 18 retained).
Molecular consequence: synonymous variant.
Genome position (GRCh38, 1-based): chr19:46,755,504, T>A. VCF-style: chr19-46755504-T-A. GRCh37 (hg19) VCF-style: chr19-47258761-T-A.
Other names: c.54T>A, p.Leu18= (NM_001039885.3).
Identifiers: ClinVar variation 288970 (VCV000288970.49), dbSNP rs565563742, ClinGen allele CA9532101.